The following is an entry in ClinVar:

ClinVar aggregate classification (germline): Uncertain significance (1 of 4 stars; one submission).

Conditions:
Idiopathic generalized epilepsy. Also called: EIG; Generalised epilepsy. Identifiers: MedGen C0270850, MONDO:0005579, OMIM 600669.

gnomAD v4.1: 4 of 1,614,134 alleles (0.00025%); highest among the groups gnomAD compares: Non-Finnish European, 0.00034%; no homozygotes.

Submission:

Labcorp Genetics (formerly Invitae), Labcorp
Classification: Uncertain significance for Idiopathic generalized epilepsy. Last evaluated: 2020-09-03. Review status: criteria provided, single submitter. Criteria: Invitae Variant Classification Sherloc (09022015). Collection method: clinical testing. Allele origin: germline.
Comment: This sequence change falls in intron 8 of the RBFOX1 gene. It does not directly change the encoded amino acid sequence of the RBFOX1 protein, but it affects a nucleotide within the consensus splice site of the intron. This variant is not present in population databases (ExAC no frequency). This variant has not been reported in the literature in individuals with RBFOX1-related conditions. Nucleotide substitutions within the consensus splice site are a relatively common cause of aberrant splicing (PMID: 17576681, 9536098). Algorithms developed to predict the effect of sequence changes on RNA splicing suggest that this variant is not likely to affect RNA splicing, but this prediction has not been confirmed by published transcriptional studies. In summary, the available evidence is currently insufficient to determine the role of this variant in disease. Therefore, it has been classified as a Variant of Uncertain Significance.

Literature cited by the submitters: PubMed 17576681; PubMed 9536098.

NM_018723.4(RBFOX1):c.757+6C>A

Gene: RBFOX1 (RNA binding fox-1 homolog 1; plus strand). Cytogenetic location: 16p13.3.
Variant type: single nucleotide variant.
Coding change: c.757+6C>A on transcript NM_018723.4 (MANE Select); 6 bases into the intron after coding-DNA position 757, C replaced by A.
Molecular consequence: intron variant.
Genome position (GRCh38, 1-based): chr16:7,630,689, C>A. VCF-style: chr16-7630689-C-A. GRCh37 (hg19) VCF-style: chr16-7680691-C-A.
Other names: c.757+6C>A (NM_001364800.2, NM_001142334.2); c.677-23126C>A (NM_001142333.2); c.886+6C>A (NM_001308117.1); c.817+6C>A (NM_145893.3, NM_145891.3, NM_145892.3).
Identifiers: ClinVar variation 1025354 (VCV001025354.7), dbSNP rs1435955739, ClinGen allele CA2205373906.
Genomic context (GRCh38, chr16:7,630,689, plus strand): 5'-CAGGAGGGATCTTCCATGTACAGTGCCCCCAGTTCACTTGTATATACTTCTGCAAGTAAG[C>A]CCACTGTCGTGGCTCTTTTTGTTTTGTGACATAAATCTGAGTCCAATCACCTTCCCTGCC-3'